The following is an entry in ClinVar:

ClinVar aggregate classification (germline): Likely pathogenic. Review status: criteria provided, multiple submitters, no conflicts (2 of 4 stars). 2 submissions from 2 submitters: Likely pathogenic (2). Last evaluated 2026-04-09.

Conditions:
TRIM63-related disorder. Also called: TRIM63-related condition.

gnomAD v4.1: 83 of 1,613,666 alleles (0.0051%); highest among the groups gnomAD compares: African/African-American, 0.0093%; no homozygotes.

Submissions (2):

PreventionGenetics, part of Exact Sciences
Classification: Likely pathogenic for TRIM63-related condition. Last evaluated: 2026-04-09. Review status: criteria provided, single submitter. Criteria: ACMG Guidelines, 2015. Collection method: clinical testing. Allele origin: germline.
Comment: The TRIM63 c.159+1G>A variant is predicted to disrupt the GT donor site and interfere with normal splicing. To our knowledge, this variant has not been reported in the literature. This variant is reported in 0.012% of alleles in individuals of African descent in gnomAD. Variants that disrupt the consensus splice donor site in TRIM63 are expected to be pathogenic. This variant is interpreted as likely pathogenic.

Mayo Clinic Laboratories, Mayo Clinic
Classification: Likely pathogenic. Last evaluated: 2025-09-19. Review status: criteria provided, single submitter. Criteria: ACMG Guidelines, 2015. Collection method: clinical testing. Allele origin: germline. Observed: 1 variant allele.
Comment: PM2_supporting, PVS1

Literature cited by the submitters: PubMed 39866098 (cited by Mayo Clinic Laboratories, Mayo Clinic).

NM_032588.4(TRIM63):c.159+1G>A

Gene: TRIM63 (tripartite motif containing 63; minus strand). Cytogenetic location: 1p36.11.
Variant type: single nucleotide variant.
Coding change: c.159+1G>A on transcript NM_032588.4 (MANE Select); the canonical splice donor site of the intron after coding-DNA position 159, G replaced by A.
Molecular consequence: splice donor variant.
Genome position (GRCh38, 1-based): chr1:26,067,335, C>T on the plus strand (G>A on the coding strand, the complement: TRIM63 is on the minus strand). VCF-style: chr1-26067335-C-T. GRCh37 (hg19) VCF-style: chr1-26393826-C-T.
Identifiers: ClinVar variation 4540935 (VCV004540935.2).